The following is an entry in ClinVar:

ClinVar aggregate classification (germline): Uncertain significance. Review status: criteria provided, multiple submitters, no conflicts (2 of 4 stars). 3 submissions from 3 submitters: Uncertain significance (3). Last evaluated 2025-11-20.

Conditions:
Inborn genetic diseases. Identifiers: MedGen C0950123, MeSH D030342.
MOGS-congenital disorder of glycosylation. Also called: CDG IIb; GLUCOSIDASE I DEFICIENCY; CDG 2B; MOGS-CDG. Identifiers: Orphanet 79330, MedGen C1853736, MONDO:0011629, OMIM 606056.

Allele frequency attached by ClinVar (database versions not stated): TOPMed 0.00002.
gnomAD v4.1: 94 of 1,614,184 alleles (0.0058%); highest among the groups gnomAD compares: Non-Finnish European, 0.0074%; no homozygotes.

Submissions (3):

Ambry Genetics
Classification: Uncertain significance for Inborn genetic diseases. Last evaluated: 2025-11-20. Review status: criteria provided, single submitter. Criteria: Ambry Variant Classification Scheme 2023. Collection method: clinical testing. Allele origin: germline.

Labcorp Genetics (formerly Invitae), Labcorp
Classification: Uncertain significance for MOGS-congenital disorder of glycosylation. Last evaluated: 2024-10-22. Review status: criteria provided, single submitter. Criteria: Invitae Variant Classification Sherloc (09022015). Collection method: clinical testing. Allele origin: germline.
Comment: This sequence change replaces proline, which is neutral and non-polar, with arginine, which is basic and polar, at codon 350 of the MOGS protein (p.Pro350Arg). This variant is present in population databases (rs754475101, gnomAD 0.004%). This variant has not been reported in the literature in individuals affected with MOGS-related conditions. ClinVar contains an entry for this variant (Variation ID: 465836). Invitae Evidence Modeling of protein sequence and biophysical properties (such as structural, functional, and spatial information, amino acid conservation, physicochemical variation, residue mobility, and thermodynamic stability) indicates that this missense variant is not expected to disrupt MOGS protein function with a negative predictive value of 80%. In summary, the available evidence is currently insufficient to determine the role of this variant in disease. Therefore, it has been classified as a Variant of Uncertain Significance.

Baylor Genetics
Classification: Uncertain significance for MOGS-congenital disorder of glycosylation. Last evaluated: 2018-09-20. Review status: criteria provided, single submitter. Criteria: ACMG Guidelines, 2015. Collection method: clinical testing. Allele origin: paternal. Affected: yes.
Comment: This variant was determined to be of uncertain significance according to ACMG Guidelines, 2015 [PMID:25741868].

NM_006302.3(MOGS):c.1049C>G (p.Pro350Arg)

Gene: MOGS (mannosyl-oligosaccharide glucosidase; minus strand). Cytogenetic location: 2p13.1.
Variant type: single nucleotide variant.
Coding change: c.1049C>G on transcript NM_006302.3 (MANE Select); coding-DNA position 1049, C replaced by G.
Protein change: p.Pro350Arg; replaces proline 350 with arginine.
Molecular consequence: missense variant.
Genome position (GRCh38, 1-based): chr2:74,462,740, G>C on the plus strand (C>G on the coding strand, the complement: MOGS is on the minus strand). VCF-style: chr2-74462740-G-C. GRCh37 (hg19) VCF-style: chr2-74689867-G-C.
Other names: c.1049C>G, p.Pro350Arg (LRG_1226t1); c.731C>G, p.Pro244Arg (NM_001146158.2); short protein forms P350R, P244R.
Identifiers: ClinVar variation 465836 (VCV000465836.11), dbSNP rs754475101, ClinGen allele CA1724860.